The following is an entry in ClinVar:

NM_025193.4(HSD3B7):c.351G>A (p.Val117=)

Gene: HSD3B7 (hydroxy-delta-5-steroid dehydrogenase, 3 beta- and steroid delta-isomerase 7; plus strand). Cytogenetic location: 16p11.2.
Variant type: single nucleotide variant.
Coding change: c.351G>A on transcript NM_025193.4 (MANE Select); coding-DNA position 351, G replaced by A.
Protein change: p.Val117=; no amino-acid change (valine 117 retained).
Molecular consequence: synonymous variant.
Genome position (GRCh38, 1-based): chr16:30,986,451, G>A. VCF-style: chr16-30986451-G-A. GRCh37 (hg19) VCF-style: chr16-30997772-G-A.
Other names: c.351G>A, p.Val117= (NM_001142777.2, NM_001142778.2).
Identifiers: ClinVar variation 3058145 (VCV003058145.2), dbSNP rs747088242, ClinGen allele CA8017974.

ClinVar aggregate classification (germline): Likely benign (0 of 4 stars; one submission).

Conditions:
HSD3B7-related disorder. Also called: HSD3B7-related condition.

Allele frequency attached by ClinVar (database versions not stated): ExAC 0.00003; gnomAD 0.00004; TOPMed 0.00004.
gnomAD v4.1: 24 of 1,614,120 alleles (0.0015%); highest among the groups gnomAD compares: Admixed American, 0.005%; no homozygotes.

Submission:

PreventionGenetics, part of Exact Sciences
Classification: Likely benign for HSD3B7-related condition. Last evaluated: 2022-03-09. Review status: no assertion criteria provided. Collection method: clinical testing. Allele origin: germline.
Comment: This variant is classified as likely benign based on ACMG/AMP sequence variant interpretation guidelines (Richards et al. 2015 PMID: 25741868, with internal and published modifications).